The following is an entry in ClinVar:

NM_001377405.1(ATXN7):c.211T>G (p.Ser71Ala)

Genes: ATXN7 (ataxin 7; plus strand), LOC129936979 (ATAC-STARR-seq lymphoblastoid silent region 14501; plus strand). Cytogenetic location: 3p14.1.
Variant type: single nucleotide variant.
Coding change: c.211T>G on transcript NM_001377405.1 (MANE Select); coding-DNA position 211, T replaced by G.
Protein change: p.Ser71Ala; replaces serine 71 with alanine.
Molecular consequence: missense variant.
Genome position (GRCh38, 1-based): chr3:63,912,809, T>G. VCF-style: chr3-63912809-T-G. GRCh37 (hg19) VCF-style: chr3-63898485-T-G.
Other names: c.211T>G, p.Ser71Ala (NM_000333.4, NM_001177387.1, NM_001377406.1); short protein forms S71A.
Identifiers: ClinVar variation 208954 (VCV000208954.23), dbSNP rs201561286, ClinGen allele CA210207.

ClinVar aggregate classification (germline): Likely benign. Review status: criteria provided, single submitter (1 of 4 stars). 2 submissions from 2 submitters: Likely benign (1). 1 of the submissions does not count toward it. Last evaluated 2023-12-01.

Conditions:
Abnormality of neuronal migration. Identifiers: MedGen C1837249, HP:0002269.

Allele frequency attached by ClinVar (database versions not stated): gnomAD 0.00030; TOPMed 0.00052; ESP Exome Variant Server 0.00068.
gnomAD v4.1: 575 of 1,564,862 alleles (0.037%); highest among the groups gnomAD compares: Middle Eastern, 0.069%; 3 homozygotes.

Submissions (2):

CeGaT Center for Human Genetics Tuebingen
Classification: Likely benign. Last evaluated: 2023-12-01. Review status: criteria provided, single submitter. Criteria: CeGaT Center For Human Genetics Tuebingen Variant Classification Criteria Version 2. Collection method: clinical testing. Allele origin: germline. Affected: yes. Observed: 1 variant allele.
Comment: ATXN7: BS1

Génétique et pathophysiologie de maladies neurodéveloppementales et épileptogènes, Institut de génétique et de biologie moléculaire et cellulaire
Classification: Benign for Malformation of Cortical Development. Last evaluated: 2014-10-31. Review status: no assertion criteria provided. Collection method: clinical testing. Allele origin: unknown. Affected: yes. Observed: 1 variant allele, 1 compound heterozygote. Not counted in ClinVar's aggregate classification.